The following is an entry in ClinVar:

NM_001267550.2(TTN):c.915-200A>G

Gene: TTN (titin; minus strand). Cytogenetic location: 2q31.2.
Variant type: single nucleotide variant.
Coding change: c.915-200A>G on transcript NM_001267550.2 (MANE Select); 200 bases into the intron before coding-DNA position 915, A replaced by G.
Molecular consequence: intron variant.
Genome position (GRCh38, 1-based): chr2:178,795,452, T>C on the plus strand (A>G on the coding strand, the complement: TTN is on the minus strand). VCF-style: chr2-178795452-T-C. GRCh37 (hg19) VCF-style: chr2-179660179-T-C.
Other names: c.915-200A>G (NM_001256850.1, NM_003319.4, NM_133437.4 and 3 more transcripts).
Identifiers: ClinVar variation 674353 (VCV000674353.2), dbSNP rs11904138, ClinGen allele CA60986623.

ClinVar aggregate classification (germline): Likely benign. Review status: criteria provided, multiple submitters, no conflicts (2 of 4 stars). 2 submissions from 2 submitters: Likely benign (2). Last evaluated 2018-06-16.

Allele frequency attached by ClinVar (database versions not stated): gnomAD 0.01389 and 0.01651; TOPMed 0.01864; 1000 Genomes Project 30x 0.03857; 1000 Genomes Project 0.04054.
gnomAD v4.1: 2,506 of 152,126 alleles (1.6%); highest among the groups gnomAD compares: East Asian, 13%; 70 homozygotes.

Submissions (2):

GeneDx
Classification: Likely benign. Last evaluated: 2018-06-16. Review status: criteria provided, single submitter. Criteria: GeneDx Variant Classification (06012015). Collection method: clinical testing. Allele origin: germline. Affected: yes.
Comment: This variant is considered likely benign or benign based on one or more of the following criteria: it is a conservative change, it occurs at a poorly conserved position in the protein, it is predicted to be benign by multiple in silico algorithms, and/or has population frequency not consistent with disease.

Breakthrough Genomics
Classification: Likely benign. Review status: criteria provided, single submitter. Criteria: ACMG Guidelines, 2015. Collection method: not provided. Allele origin: germline. Inheritance: Autosomal recessive inheritance. Affected: yes.